The following is an entry in ClinVar:

NM_001378615.1(CC2D2A):c.2650del (p.Val884fs)

Genes: CC2D2A (coiled-coil and C2 domain containing 2A; plus strand), FBXL5 (F-box and leucine rich repeat protein 5; minus strand). Cytogenetic location: 4p15.32.
Variant type: Deletion.
Coding change: c.2650del on transcript NM_001378615.1 (MANE Select); coding-DNA position 2650, one base deleted (G; older notation c.2650delG).
Protein change: p.Val884fs; shifts the reading frame from valine 884.
Molecular consequence: frameshift variant.
Genome position (GRCh38, 1-based): chr4:15,557,328, G deleted. VCF-style (leftmost placement, unchanged base first): chr4-15557327-TG-T. GRCh37 (hg19) VCF-style: chr4-15558950-TG-T.
Other names: c.2650del, p.Val884fs (NM_001080522.2); c.2503del, p.Val835fs (NM_001378617.1); short protein forms V884fs, V835fs.
Identifiers: ClinVar variation 2945817 (VCV002945817.4), dbSNP rs1447155539, ClinGen allele CA550187360.

ClinVar aggregate classification (germline): Pathogenic. Review status: criteria provided, multiple submitters, no conflicts (2 of 4 stars). 2 submissions from 2 submitters: Pathogenic (2). Last evaluated 2025-08-02.

Conditions:
Joubert syndrome and related disorders. Identifiers: Orphanet 140874, MedGen C5679612, MONDO:0015369.
Joubert syndrome. Also called: JOUBERT-BOLTSHAUSER SYNDROME; Familial aplasia of the vermis. Identifiers: Orphanet 475, MedGen C5979921, MONDO:0018772.
Meckel-Gruber syndrome. Also called: DYSENCEPHALIA SPLANCHNOCYSTICA; GRUBER SYNDROME; Dysencephalia splachnocystica. Identifiers: Orphanet 564, MedGen C0265215, MONDO:0018921.

Allele frequency attached by ClinVar (database versions not stated): gnomAD 0.00001.

Submissions (2):

Myriad Genetics, Inc.
Classification: Pathogenic for Joubert syndrome and related disorders. Last evaluated: 2025-08-02. Review status: criteria provided, single submitter. Criteria: Myriad Autosomal Dominant, Autosomal Recessive and X-Linked Classification Criteria (2023). Collection method: clinical testing. Allele origin: unknown.
Comment: NM_001080522.2(CC2D2A):c.2650delG(V884Sfs*22) is expected to be pathogenic in the context of CC2D2A-related disorders. This variant is predicted to lead to an abnormal or absent protein product due to the creation of a premature termination codon in CC2D2A, a gene where loss-of-function variants are known to be pathogenic. Please note: this variant was assessed in the context of healthy population screening.

Labcorp Genetics (formerly Invitae), Labcorp
Classification: Pathogenic for Joubert syndrome; Meckel-Gruber syndrome. Last evaluated: 2023-03-26. Review status: criteria provided, single submitter. Criteria: Invitae Variant Classification Sherloc (09022015). Collection method: clinical testing. Allele origin: germline.
Comment: For these reasons, this variant has been classified as Pathogenic. This variant has not been reported in the literature in individuals affected with CC2D2A-related conditions. This variant is present in population databases (no rsID available, gnomAD 0.007%). This sequence change creates a premature translational stop signal (p.Val884Serfs*22) in the CC2D2A gene. It is expected to result in an absent or disrupted protein product. Loss-of-function variants in CC2D2A are known to be pathogenic (PMID: 19777577).

Literature cited by the submitters: PubMed 19777577 (cited by Labcorp Genetics (formerly Invitae), Labcorp).